The following is an entry in ClinVar:

NM_004360.5(CDH1):c.1076C>A (p.Ala359Glu)

Gene: CDH1 (cadherin 1; plus strand). Cytogenetic location: 16q22.1.
Variant type: single nucleotide variant.
Coding change: c.1076C>A on transcript NM_004360.5 (MANE Select); coding-DNA position 1076, C replaced by A.
Protein change: p.Ala359Glu; replaces alanine 359 with glutamic acid.
Molecular consequence: missense variant. On other transcripts: 5 prime UTR variant (2).
Genome position (GRCh38, 1-based): chr16:68,812,202, C>A. VCF-style: chr16-68812202-C-A. GRCh37 (hg19) VCF-style: chr16-68846105-C-A.
Other names: c.1076C>A, p.Ala359Glu (NM_001317184.2); c.-540C>A (NM_001317185.2); c.-744C>A (NM_001317186.2); short protein forms A359E.
Identifiers: ClinVar variation 3659217 (VCV003659217.2).

ClinVar aggregate classification (germline): Uncertain significance (1 of 4 stars; one submission).

Conditions:
Hereditary diffuse gastric adenocarcinoma (HDGC). Also called: DIFFUSE GASTRIC AND LOBULAR BREAST CANCER SYNDROME. Identifiers: Orphanet 26106, MedGen C1708349, MONDO:0007648, OMIM 137215.

Submission:

Labcorp Genetics (formerly Invitae), Labcorp
Classification: Uncertain significance for Hereditary diffuse gastric adenocarcinoma. Last evaluated: 2024-07-11. Review status: criteria provided, single submitter. Criteria: Invitae Variant Classification Sherloc (09022015). Collection method: clinical testing. Allele origin: germline.
Comment: This sequence change replaces alanine, which is neutral and non-polar, with glutamic acid, which is acidic and polar, at codon 359 of the CDH1 protein (p.Ala359Glu). This variant is not present in population databases (gnomAD no frequency). This variant has not been reported in the literature in individuals affected with CDH1-related conditions. An algorithm developed to predict the effect of missense changes on protein structure and function (PolyPhen-2) suggests that this variant is likely to be disruptive. In summary, the available evidence is currently insufficient to determine the role of this variant in disease. Therefore, it has been classified as a Variant of Uncertain Significance.